The following is an entry in ClinVar:

ClinVar aggregate classification (germline): Pathogenic. Review status: criteria provided, multiple submitters, no conflicts (2 of 4 stars). 2 submissions from 2 submitters: Pathogenic (2). Last evaluated 2024-06-10.

Conditions:
Severe intellectual disability-poor language-strabismus-grimacing face-long fingers syndrome (GAND). Also called: GAND SYNDROME. Identifiers: Orphanet 363686, MedGen C3554448, MONDO:0014034, OMIM 615074.

Submissions (2):

KK Women’s and Children’s Hospital
Classification: Pathogenic for Severe intellectual disability-poor language-strabismus-grimacing face-long fingers syndrome. Last evaluated: 2024-06-10. Review status: criteria provided, single submitter. Criteria: ACMG Guidelines, 2015. Collection method: research. Allele origin: de novo. Inheritance: Autosomal dominant inheritance. Affected: yes. Observed: 1 heterozygote.
Comment: PM2 PM6 PP5 PVS1

Labcorp Genetics (formerly Invitae), Labcorp
Classification: Pathogenic. Last evaluated: 2023-11-11. Review status: criteria provided, single submitter. Criteria: Invitae Variant Classification Sherloc (09022015). Collection method: clinical testing. Allele origin: germline.
Comment: This sequence change creates a premature translational stop signal (p.His216Metfs*24) in the GATAD2B gene. It is expected to result in an absent or disrupted protein product. Loss-of-function variants in GATAD2B are known to be pathogenic (PMID: 23033978, 25356899, 27159321). This variant is not present in population databases (gnomAD no frequency). This variant has not been reported in the literature in individuals affected with GATAD2B-related conditions. For these reasons, this variant has been classified as Pathogenic.

Literature cited by the submitters: PubMed 23033978 (cited by Labcorp Genetics (formerly Invitae), Labcorp); PubMed 25356899 (cited by Labcorp Genetics (formerly Invitae), Labcorp); PubMed 27159321 (cited by Labcorp Genetics (formerly Invitae), Labcorp).

NM_020699.4(GATAD2B):c.646del (p.His216fs)

Gene: GATAD2B (GATA zinc finger domain containing 2B; minus strand). Cytogenetic location: 1q21.3.
Variant type: Deletion.
Coding change: c.646del on transcript NM_020699.4 (MANE Select); coding-DNA position 646, one base deleted (C; older notation c.646delC).
Protein change: p.His216fs; shifts the reading frame from histidine 216.
Molecular consequence: frameshift variant.
Genome position (GRCh38, 1-based): chr1:153,818,123, G deleted on the plus strand (C on the coding strand, the reverse complement: GATAD2B is on the minus strand); the first of 3 consecutive G bases (chr1:153,818,123-153,818,125); deleting any one gives the same sequence. VCF-style (leftmost placement, unchanged base first): chr1-153818122-TG-T. GRCh37 (hg19) VCF-style: chr1-153790598-TG-T.
Other names: short protein forms H216fs.
Identifiers: ClinVar variation 2695159 (VCV002695159.4), dbSNP rs2525256628, ClinGen allele CA2697554567.